The following is an entry in ClinVar:

NM_025103.4(IFT74):c.912G>C (p.Glu304Asp)

Gene: IFT74 (intraflagellar transport 74; plus strand). Cytogenetic location: 9p21.2.
Variant type: single nucleotide variant.
Coding change: c.912G>C on transcript NM_025103.4 (MANE Select); coding-DNA position 912, G replaced by C.
Protein change: p.Glu304Asp; replaces glutamic acid 304 with aspartic acid.
Molecular consequence: missense variant.
Genome position (GRCh38, 1-based): chr9:27,017,029, G>C. VCF-style: chr9-27017029-G-C. GRCh37 (hg19) VCF-style: chr9-27017027-G-C.
Other names: c.912G>C (NM_025103.2); c.912G>C, p.Glu304Asp (NM_001099222.3, NM_001099223.3, NM_001099224.3 and 1 more transcripts); short protein forms E304D.
Identifiers: ClinVar variation 4621976 (VCV004621976.2).

ClinVar aggregate classification (germline): Uncertain significance. Review status: criteria provided, multiple submitters, no conflicts (2 of 4 stars). 2 submissions from 2 submitters: Uncertain significance (2). Last evaluated 2026-05-27.

Conditions:
Inborn genetic diseases. Identifiers: MedGen C0950123, MeSH D030342.
IFT74-related disorder. Also called: IFT74-Related Disorders; IFT74-related condition.

gnomAD v4.1: 8 of 1,605,696 alleles (0.0005%); highest among the groups gnomAD compares: Non-Finnish European, 0.00068%; no homozygotes.

Submissions (2):

PreventionGenetics, part of Exact Sciences
Classification: Uncertain significance for IFT74-related condition. Last evaluated: 2026-05-27. Review status: criteria provided, single submitter. Criteria: ACMG Guidelines, 2015. Collection method: clinical testing. Allele origin: germline.
Comment: The IFT74 c.912G>C variant is predicted to result in the amino acid substitution p.Glu304Asp. To our knowledge, this variant has not been reported in the literature. This variant is reported in 0.0018% of alleles in individuals of European (Non-Finnish) descent in gnomAD. At this time, the clinical significance of this variant is uncertain due to the absence of conclusive functional and genetic evidence.

Ambry Genetics
Classification: Uncertain significance for Inborn genetic diseases. Last evaluated: 2025-11-08. Review status: criteria provided, single submitter. Criteria: Ambry Variant Classification Scheme 2023. Collection method: clinical testing. Allele origin: germline.